The following is an entry in ClinVar:

ClinVar aggregate classification (germline): Conflicting classifications of pathogenicity. Review status: criteria provided, conflicting classifications (1 of 4 stars). 4 submissions from 4 submitters: Uncertain significance (2); Likely benign (2). Last evaluated 2025-06-18.

Conditions:
Long QT syndrome (LQTS). Identifiers: MedGen C0023976, MeSH D008133, MONDO:0002442. Disease mechanism: loss of function. Inheritance: Various modes of inheritance.
Cardiovascular phenotype. Identifiers: MedGen CN230736.

Allele frequency attached by ClinVar (database versions not stated): gnomAD exomes 0.00002 and 0.00004; ExAC 0.00003; gnomAD 0.00005; TOPMed 0.00005; 1000 Genomes Project 30x 0.00016; 1000 Genomes Project 0.00020.
gnomAD v4.1: 38 of 1,613,934 alleles (0.0024%); highest among the groups gnomAD compares: East Asian, 0.022%; no homozygotes.

Submissions (4):

Labcorp Genetics (formerly Invitae), Labcorp
Classification: Uncertain significance for Long QT syndrome. Last evaluated: 2025-06-18. Review status: criteria provided, single submitter. Criteria: Invitae Variant Classification Sherloc (09022015). Collection method: clinical testing. Allele origin: germline.
Comment: This sequence change replaces proline, which is neutral and non-polar, with leucine, which is neutral and non-polar, at codon 2796 of the ANK2 protein (p.Pro2796Leu). This variant is present in population databases (rs182956726, gnomAD 0.009%). This variant has not been reported in the literature in individuals affected with ANK2-related conditions. ClinVar contains an entry for this variant (Variation ID: 519475). An algorithm developed to predict the effect of missense changes on protein structure and function outputs the following: PolyPhen-2: "Benign". The leucine amino acid residue is found in multiple mammalian species, which suggests that this missense change does not adversely affect protein function. In summary, the available evidence is currently insufficient to determine the role of this variant in disease. Therefore, it has been classified as a Variant of Uncertain Significance.

Blueprint Genetics
Classification: Likely benign. Last evaluated: 2023-11-22. Review status: criteria provided, single submitter. Criteria: ACMG Guidelines, 2015. Collection method: clinical testing. Allele origin: germline.

GeneDx
Classification: Uncertain significance. Last evaluated: 2020-01-03. Review status: criteria provided, single submitter. Criteria: GeneDx Variant Classification Process June 2021. Collection method: clinical testing. Allele origin: germline. Affected: yes.
Comment: Has not been previously published as pathogenic or benign to our knowledge; Reported in ClinVar with conflicting interpretations of pathogenicity (ClinVar Variant ID# 519475; Landrum et al., 2016); In silico analysis, which includes protein predictors and evolutionary conservation, supports that this variant does not alter protein structure/function

Ambry Genetics
Classification: Likely benign for Cardiovascular phenotype. Last evaluated: 2018-11-16. Review status: criteria provided, single submitter. Criteria: Ambry Variant Classification Scheme 2023. Collection method: clinical testing. Allele origin: germline.

NM_001148.6(ANK2):c.8387C>T (p.Pro2796Leu)

Gene: ANK2 (ankyrin 2; plus strand). Cytogenetic location: 4q26.
Variant type: single nucleotide variant.
Coding change: c.8387C>T on transcript NM_001148.6 (MANE Select); coding-DNA position 8387, C replaced by T.
Protein change: p.Pro2796Leu; replaces proline 2796 with leucine.
Molecular consequence: missense variant. On other transcripts: intron variant (68).
Genome position (GRCh38, 1-based): chr4:113,357,005, C>T. VCF-style: chr4-113357005-C-T. GRCh37 (hg19) VCF-style: chr4-114278161-C-T.
Other names: c.8153C>T, p.Pro2718Leu (NM_001386142.1); c.4787C>T, p.Pro1596Leu (NM_001386166.1); c.8528C>T, p.Pro2843Leu (NM_001386174.1); c.8504C>T, p.Pro2835Leu (NM_001386175.1); c.4412-3818C>T (NM_001386186.2, NM_001386148.2); c.4214-3818C>T (NM_001354269.3); c.4292-3818C>T (NM_001386187.2); c.4253-3818C>T (NM_001386147.1); and 35 more; short protein forms P2796L, P1596L, P2718L, P2835L, P2843L.
Identifiers: ClinVar variation 519475 (VCV000519475.14), dbSNP rs182956726, ClinGen allele CA3051758.